The following is an entry in ClinVar:

ClinVar aggregate classification (germline): Uncertain significance. Review status: criteria provided, multiple submitters, no conflicts (2 of 4 stars). 2 submissions from 2 submitters: Uncertain significance (2). Last evaluated 2024-09-03.

Conditions:
Familial cancer of breast. Also called: Hereditary breast cancer; hereditary breast carcinoma; BREAST CANCER, FAMILIAL. Identifiers: Orphanet 227535, MedGen C0346153, MONDO:0016419, OMIM 114480. Disease mechanism: loss of function.
Fanconi anemia complementation group J. Also called: BRIP1-Related Fanconi Anemia. Identifiers: Orphanet 84, MedGen C1836860, MONDO:0012187, OMIM 609054.
Hereditary cancer-predisposing syndrome. Also called: Hereditary Cancer Syndrome; Neoplastic Syndromes, Hereditary; Hereditary neoplastic syndrome; Tumor predisposition. Identifiers: Orphanet 140162, MedGen C0027672, MeSH D009386, MONDO:0015356.

Submissions (2):

Labcorp Genetics (formerly Invitae), Labcorp
Classification: Uncertain significance for Familial cancer of breast; Fanconi anemia complementation group J. Last evaluated: 2024-09-03. Review status: criteria provided, single submitter. Criteria: Invitae Variant Classification Sherloc (09022015). Collection method: clinical testing. Allele origin: germline.
Comment: This sequence change replaces isoleucine, which is neutral and non-polar, with phenylalanine, which is neutral and non-polar, at codon 963 of the BRIP1 protein (p.Ile963Phe). This variant is not present in population databases (gnomAD no frequency). This variant has not been reported in the literature in individuals affected with BRIP1-related conditions. ClinVar contains an entry for this variant (Variation ID: 821936). An algorithm developed to predict the effect of missense changes on protein structure and function (PolyPhen-2) suggests that this variant is likely to be tolerated. In summary, the available evidence is currently insufficient to determine the role of this variant in disease. Therefore, it has been classified as a Variant of Uncertain Significance.

Ambry Genetics
Classification: Uncertain significance for Hereditary cancer-predisposing syndrome. Last evaluated: 2022-08-23. Review status: criteria provided, single submitter. Criteria: Ambry Variant Classification Scheme 2023. Collection method: clinical testing. Allele origin: germline.
Comment: The p.I963F variant (also known as c.2887A>T), located in coding exon 18 of the BRIP1 gene, results from an A to T substitution at nucleotide position 2887. The isoleucine at codon 963 is replaced by phenylalanine, an amino acid with highly similar properties. This amino acid position is not well conserved in available vertebrate species. In addition, this alteration is predicted to be tolerated by in silico analysis. Since supporting evidence is limited at this time, the clinical significance of this alteration remains unclear.

NM_032043.3(BRIP1):c.2887A>T (p.Ile963Phe)

Gene: BRIP1 (BRCA1 interacting DNA helicase 1; minus strand). Cytogenetic location: 17q23.2.
Variant type: single nucleotide variant.
Coding change: c.2887A>T on transcript NM_032043.3 (MANE Select); coding-DNA position 2887, A replaced by T.
Protein change: p.Ile963Phe; replaces isoleucine 963 with phenylalanine.
Molecular consequence: missense variant.
Genome position (GRCh38, 1-based): chr17:61,685,854, T>A on the plus strand (A>T on the coding strand, the complement: BRIP1 is on the minus strand). VCF-style: chr17-61685854-T-A. GRCh37 (hg19) VCF-style: chr17-59763215-T-A.
Other names: short protein forms I963F.
Identifiers: ClinVar variation 821936 (VCV000821936.6), dbSNP rs1603276518, ClinGen allele CA400481170.